The following is an entry in ClinVar:

ClinVar aggregate classification (germline): Uncertain significance. Review status: criteria provided, multiple submitters, no conflicts (2 of 4 stars). 3 submissions from 3 submitters: Uncertain significance (3). Last evaluated 2024-02-15.

Conditions:
Inborn genetic diseases. Identifiers: MedGen C0950123, MeSH D030342.
Angelman syndrome (AS). Also called: HAPPY PUPPET SYNDROME. Identifiers: Orphanet 72, MedGen C0162635, MONDO:0007113, OMIM 105830. Disease mechanism: loss of function. Inheritance: AS is caused by disruption of maternally imprinted UBE3A located within the 15q11.2-q13 Angelman syndrome/Prader-Willi syndrome (AS/PWS) region., imprinting disorder.

Allele frequency attached by ClinVar (database versions not stated): gnomAD exomes below 0.00001 and 0.00001; ExAC 0.00001.
gnomAD v4.1: 2 of 1,612,768 alleles (0.00012%); highest among the groups gnomAD compares: Admixed American, 0.0017%; no homozygotes.

Submissions (3):

Labcorp Genetics (formerly Invitae), Labcorp
Classification: Uncertain significance for Angelman syndrome. Last evaluated: 2024-02-15. Review status: criteria provided, single submitter. Criteria: Invitae Variant Classification Sherloc (09022015). Collection method: clinical testing. Allele origin: germline.
Comment: This sequence change replaces glycine, which is neutral and non-polar, with arginine, which is basic and polar, at codon 629 of the UBE3A protein (p.Gly629Arg). This variant is present in population databases (rs747626553, gnomAD 0.003%). This variant has not been reported in the literature in individuals affected with UBE3A-related conditions. ClinVar contains an entry for this variant (Variation ID: 521447). Advanced modeling of protein sequence and biophysical properties (such as structural, functional, and spatial information, amino acid conservation, physicochemical variation, residue mobility, and thermodynamic stability) performed at Invitae indicates that this missense variant is not expected to disrupt UBE3A protein function with a negative predictive value of 95%. In summary, the available evidence is currently insufficient to determine the role of this variant in disease. Therefore, it has been classified as a Variant of Uncertain Significance.

GeneDx
Classification: Uncertain significance. Last evaluated: 2021-05-11. Review status: criteria provided, single submitter. Criteria: GeneDx Variant Classification Process June 2021. Collection method: clinical testing. Allele origin: germline. Affected: yes.
Comment: Not observed at a significant frequency in large population cohorts (Lek et al., 2016); In silico analysis supports that this missense variant does not alter protein structure/function; Has not been previously published as pathogenic or benign to our knowledge

Ambry Genetics
Classification: Uncertain significance for Inborn genetic diseases. Last evaluated: 2018-06-07. Review status: criteria provided, single submitter. Criteria: Ambry Variant Classification Scheme 2023. Collection method: clinical testing. Allele origin: germline.
Comment: The p.G629R variant (also known as c.1885G>A), located in coding exon 5 of the UBE3A gene, results from a G to A substitution at nucleotide position 1885. The glycine at codon 629 is replaced by arginine, an amino acid with dissimilar properties. This amino acid position is poorly conserved in available vertebrate species. In addition, this alteration is predicted to be tolerated by in silico analysis. Since supporting evidence is limited at this time, the clinical significance of this alteration remains unclear.

NM_130839.5(UBE3A):c.1945G>A (p.Gly649Arg)

Genes: SNHG14 (small nucleolar RNA host gene 14; plus strand), UBE3A (ubiquitin protein ligase E3A; minus strand). Cytogenetic location: 15q11.2.
Variant type: single nucleotide variant.
Coding change: c.1945G>A on transcript NM_130839.5 (MANE Select); coding-DNA position 1945, G replaced by A.
Protein change: p.Gly649Arg; replaces glycine 649 with arginine.
Molecular consequence: missense variant. On other transcripts: non-coding transcript variant (1).
Genome position (GRCh38, 1-based): chr15:25,356,705, C>T on the plus strand (G>A on the coding strand, the complement: UBE3A is on the minus strand). VCF-style: chr15-25356705-C-T. GRCh37 (hg19) VCF-style: chr15-25601852-C-T.
Other names: c.1954G>A, p.Gly652Arg (NM_000462.5); c.1945G>A, p.Gly649Arg (NM_001354505.1, NM_001354538.2, NM_001354545.2); c.1885G>A, p.Gly629Arg (NM_001354506.2, NM_001354507.2, NM_001354508.2 and 17 more transcripts); c.1768G>A, p.Gly590Arg (NM_001354546.2); c.694G>A, p.Gly232Arg (NM_001354550.2); c.634G>A, p.Gly212Arg (NM_001354551.2); short protein forms G629R, G590R, G652R, G232R, G649R, G212R.
Identifiers: ClinVar variation 521447 (VCV000521447.14), dbSNP rs747626553, ClinGen allele CA7435467.